The following is an entry in ClinVar:

NM_152383.5(DIS3L2):c.2210A>G (p.Asp737Gly)

Gene: DIS3L2 (DIS3 like 3'-5' exoribonuclease 2; plus strand). Cytogenetic location: 2q37.1.
Variant type: single nucleotide variant.
Coding change: c.2210A>G on transcript NM_152383.5 (MANE Select); coding-DNA position 2210, A replaced by G.
Protein change: p.Asp737Gly; replaces aspartic acid 737 with glycine.
Molecular consequence: missense variant. On other transcripts: non-coding transcript variant (2), intron variant (1).
Genome position (GRCh38, 1-based): chr2:232,334,420, A>G. VCF-style: chr2-232334420-A-G. GRCh37 (hg19) VCF-style: chr2-233199130-A-G.
Other names: c.1582-8925A>G (NM_001257281.2); short protein forms D737G.
Identifiers: ClinVar variation 463094 (VCV000463094.13), dbSNP rs769764733, ClinGen allele CA2164449.
Genomic context (GRCh38, chr2:232,334,420, plus strand): 5'-TCTTCCCAGGCTATAGGGAGCGACTAGACATGGCGCCCGATACCCTGCAGAAACAGGCGG[A>G]CCACTGTAACGACCGCCGCATGGCGTCCAAGCGCGTGCAGGAGCTCAGTACCAGTCTCTT-3'
Protein context (NP_689596.4, residues 727-747): MAPDTLQKQA[Asp737Gly]HCNDRRMASK

ClinVar aggregate classification (germline): Uncertain significance. Review status: criteria provided, multiple submitters, no conflicts (2 of 4 stars). 4 submissions from 4 submitters: Uncertain significance (4). Last evaluated 2025-04-14.

Conditions:
Inborn genetic diseases. Identifiers: MedGen C0950123, MeSH D030342.
Perlman syndrome (PRLMNS). Identifiers: Orphanet 2849, MedGen C0796113, MONDO:0009965, OMIM 267000.

Allele frequency attached by ClinVar (database versions not stated): gnomAD 0.00001; gnomAD exomes 0.00002 and 0.00003; ExAC 0.00003; TOPMed 0.00003.
gnomAD v4.1: 49 of 1,613,630 alleles (0.003%); highest among the groups gnomAD compares: Non-Finnish European, 0.0041%; no homozygotes.

Submissions (4):

Labcorp Genetics (formerly Invitae), Labcorp
Classification: Uncertain significance for Perlman syndrome. Last evaluated: 2025-04-14. Review status: criteria provided, single submitter. Criteria: Invitae Variant Classification Sherloc (09022015). Collection method: clinical testing. Allele origin: germline.
Comment: This sequence change replaces aspartic acid, which is acidic and polar, with glycine, which is neutral and non-polar, at codon 737 of the DIS3L2 protein (p.Asp737Gly). This variant is present in population databases (rs769764733, gnomAD 0.007%). This variant has not been reported in the literature in individuals affected with DIS3L2-related conditions. ClinVar contains an entry for this variant (Variation ID: 463094). Invitae Evidence Modeling of protein sequence and biophysical properties (such as structural, functional, and spatial information, amino acid conservation, physicochemical variation, residue mobility, and thermodynamic stability) indicates that this missense variant is not expected to disrupt DIS3L2 protein function with a negative predictive value of 80%. In summary, the available evidence is currently insufficient to determine the role of this variant in disease. Therefore, it has been classified as a Variant of Uncertain Significance.

Ambry Genetics
Classification: Uncertain significance for Inborn genetic diseases. Last evaluated: 2025-02-19. Review status: criteria provided, single submitter. Criteria: Ambry Variant Classification Scheme 2023. Collection method: clinical testing. Allele origin: germline.

GeneDx
Classification: Uncertain significance. Last evaluated: 2022-03-04. Review status: criteria provided, single submitter. Criteria: GeneDx Variant Classification Process June 2021. Collection method: clinical testing. Allele origin: germline. Affected: yes.
Comment: In silico analysis supports that this missense variant has a deleterious effect on protein structure/function; Has not been previously published as pathogenic or benign to our knowledge

Fulgent Genetics
Classification: Uncertain significance for Perlman syndrome. Last evaluated: 2018-10-31. Review status: criteria provided, single submitter. Criteria: ACMG Guidelines, 2015. Collection method: clinical testing. Allele origin: unknown.